The following is an entry in ClinVar:

NM_015650.4(TRAF3IP1):c.685G>A (p.Glu229Lys)

Gene: TRAF3IP1 (TRAF3 interacting protein 1; plus strand). Cytogenetic location: 2q37.3.
Variant type: single nucleotide variant.
Coding change: c.685G>A on transcript NM_015650.4 (MANE Select); coding-DNA position 685, G replaced by A.
Protein change: p.Glu229Lys; replaces glutamic acid 229 with lysine.
Molecular consequence: missense variant.
Genome position (GRCh38, 1-based): chr2:238,329,112, G>A. VCF-style: chr2-238329112-G-A. GRCh37 (hg19) VCF-style: chr2-239237753-G-A.
Other names: c.685G>A, p.Glu229Lys (NM_001139490.1); short protein forms E229K.
Identifiers: ClinVar variation 959623 (VCV000959623.9), dbSNP rs114489653, ClinGen allele CA2198115.

ClinVar aggregate classification (germline): Uncertain significance. Review status: criteria provided, multiple submitters, no conflicts (2 of 4 stars). 3 submissions from 3 submitters: Uncertain significance (3). Last evaluated 2024-10-21.

Conditions:
Inborn genetic diseases. Identifiers: MedGen C0950123, MeSH D030342.
Senior-Loken syndrome 9 (SLSN9). Identifiers: Orphanet 3156, MedGen C4225263, MONDO:0014712, OMIM 616629.

Allele frequency attached by ClinVar (database versions not stated): gnomAD exomes 0.00003 and 0.00015; ESP Exome Variant Server 0.00032; ExAC 0.00037; gnomAD 0.00037 and 0.00039; TOPMed 0.00040; 1000 Genomes Project 0.00120; 1000 Genomes Project 30x 0.00141.

Submissions (3):

Labcorp Genetics (formerly Invitae), Labcorp
Classification: Uncertain significance. Last evaluated: 2024-10-21. Review status: criteria provided, single submitter. Criteria: Invitae Variant Classification Sherloc (09022015). Collection method: clinical testing. Allele origin: germline.
Comment: This sequence change replaces glutamic acid, which is acidic and polar, with lysine, which is basic and polar, at codon 229 of the TRAF3IP1 protein (p.Glu229Lys). This variant is present in population databases (rs114489653, gnomAD 0.2%). This variant has not been reported in the literature in individuals affected with TRAF3IP1-related conditions. ClinVar contains an entry for this variant (Variation ID: 959623). Invitae Evidence Modeling of protein sequence and biophysical properties (such as structural, functional, and spatial information, amino acid conservation, physicochemical variation, residue mobility, and thermodynamic stability) indicates that this missense variant is not expected to disrupt TRAF3IP1 protein function with a negative predictive value of 80%. In summary, the available evidence is currently insufficient to determine the role of this variant in disease. Therefore, it has been classified as a Variant of Uncertain Significance.

Ambry Genetics
Classification: Uncertain significance for Inborn genetic diseases. Last evaluated: 2024-06-04. Review status: criteria provided, single submitter. Criteria: Ambry Variant Classification Scheme 2023. Collection method: clinical testing. Allele origin: germline.

Revvity Omics, Revvity
Classification: Uncertain significance for Senior-Loken syndrome 9. Last evaluated: 2019-01-28. Review status: criteria provided, single submitter. Criteria: ACMG Guidelines, 2015. Collection method: clinical testing. Allele origin: germline.